The following is an entry in ClinVar:

NM_019023.5(PRMT7):c.423G>A (p.Leu141=)

Gene: PRMT7 (protein arginine methyltransferase 7; plus strand). Cytogenetic location: 16q22.1.
Variant type: single nucleotide variant.
Coding change: c.423G>A on transcript NM_019023.5 (MANE Select); coding-DNA position 423, G replaced by A.
Protein change: p.Leu141=; no amino-acid change (leucine 141 retained).
Molecular consequence: synonymous variant. On other transcripts: non-coding transcript variant (12).
Genome position (GRCh38, 1-based): chr16:68,337,490, G>A. VCF-style: chr16-68337490-G-A. GRCh37 (hg19) VCF-style: chr16-68371393-G-A.
Other names: c.273G>A, p.Leu91= (NM_001184824.4); c.423G>A, p.Leu141= (NM_001290018.2, NM_001351143.3, NM_001351144.3 and 1 more transcripts); c.216G>A, p.Leu72= (NM_001378020.1); c.186G>A, p.Leu62= (NM_001378021.1, NM_001378022.1, NM_001378023.1).
Identifiers: ClinVar variation 3060212 (VCV003060212.2), dbSNP rs138764613, ClinGen allele CA8127102.

ClinVar aggregate classification (germline): Likely benign (0 of 4 stars; one submission).

Conditions:
PRMT7-related disorder. Also called: PRMT7-related condition.

gnomAD v4.1: 4 of 1,611,206 alleles (0.00025%); highest among the groups gnomAD compares: Admixed American, 0.0051%; no homozygotes.

Submission:

PreventionGenetics, part of Exact Sciences
Classification: Likely benign for PRMT7-related condition. Last evaluated: 2019-05-14. Review status: no assertion criteria provided. Collection method: clinical testing. Allele origin: germline.
Comment: This variant is classified as likely benign based on ACMG/AMP sequence variant interpretation guidelines (Richards et al. 2015 PMID: 25741868, with internal and published modifications).